The following is an entry in ClinVar:

ClinVar aggregate classification (germline): Uncertain significance (1 of 4 stars; one submission).

Submission:

Labcorp Genetics (formerly Invitae), Labcorp
Classification: Uncertain significance. Last evaluated: 2024-12-04. Review status: criteria provided, single submitter. Criteria: Invitae Variant Classification Sherloc (09022015). Collection method: clinical testing. Allele origin: germline.
Comment: This variant, c.351_362del, results in the deletion of 4 amino acid(s) of the NAF1 protein (p.Asp119_Ser122del), but otherwise preserves the integrity of the reading frame. This variant is not present in population databases (gnomAD no frequency). This variant has not been reported in the literature in individuals affected with NAF1-related conditions. Experimental studies and prediction algorithms are not available or were not evaluated, and the functional significance of this variant is currently unknown. In summary, the available evidence is currently insufficient to determine the role of this variant in disease. Therefore, it has been classified as a Variant of Uncertain Significance.

NM_138386.3(NAF1):c.351_362del (p.115DS[2])

Gene: NAF1 (nuclear assembly factor 1 ribonucleoprotein; minus strand). Cytogenetic location: 4q32.2.
Variant type: Deletion.
Coding change: c.351_362del on transcript NM_138386.3 (MANE Select); coding-DNA positions 351 to 362, 12 bases deleted (TTCGGACTCGGA).
Protein change: p.115DS[2].
Genome position (GRCh38, 1-based): chr4:163,166,366-163,166,377, TCCGAGTCCGAA deleted on the plus strand (TTCGGACTCGGA on the coding strand, the reverse complement: NAF1 is on the minus strand); deleting any 12 consecutive bases within chr4:163,166,366-163,166,388 gives the same sequence; the c. name uses the placement nearest the transcript's 3' end. VCF-style (leftmost placement, unchanged base first): chr4-163166365-GTCCGAGTCCGAA-G. GRCh37 (hg19) VCF-style: chr4-164087517-GTCCGAGTCCGAA-G.
Other names: c.351_362del, p.115DS[2] (NM_001128931.2).
Identifiers: ClinVar variation 3725656 (VCV003725656.2).